The following is an entry in ClinVar:

NM_001009999.3(KDM1A):c.880_881delinsTT (p.Pro294Leu)

Gene: KDM1A (lysine demethylase 1A; plus strand). Cytogenetic location: 1p36.12.
Variant type: Indel.
Coding change: c.880_881delinsTT on transcript NM_001009999.3 (MANE Select); coding-DNA positions 880 to 881, CC replaced by TT.
Protein change: p.Pro294Leu; replaces proline 294 with leucine.
Molecular consequence: missense variant.
Genome position (GRCh38, 1-based): chr1:23,055,158-23,055,159, CC replaced by TT. VCF-style: chr1-23055158-CC-TT. GRCh37 (hg19) VCF-style: chr1-23381651-CC-TT.
Other names: c.820_821delinsTT, p.Pro274Leu (NM_001363654.2, NM_015013.4); short protein forms P274L, P294L.
Identifiers: ClinVar variation 1338127 (VCV001338127.4), dbSNP rs2124467300, ClinGen allele CA2573051508.
Genomic context (GRCh38, chr1:23,055,158, plus strand): 5'-AGTTATTTAGAGCGTCATGGTCTTATCAACTTCGGCATCTATAAGAGGATAAAACCCCTA[CC>TT]AAGTAAGGACCTCCTACCTGGCTGATAAATTTTACATTTTTAAGTTACGGTTTCAGGACT-3'
Protein context (NP_001009999.1, residues 284-304): FGIYKRIKPL[Pro294Leu]TKKTGKVIII

ClinVar aggregate classification (germline): Uncertain significance (1 of 4 stars; one submission).

Submission:

Genetic Services Laboratory, University of Chicago
Classification: Uncertain significance. Last evaluated: 2021-10-12. Review status: criteria provided, single submitter. Criteria: ACMG Guidelines, 2015. Collection method: clinical testing. Allele origin: germline. Affected: no.
Comment: This deletion/insertion is predicted to result in a missense change, p.Pro294Leu. This sequence change does not appear to have been previously described in individuals with KDM1A-related disorders and has also not been described in the population databases such as ExAC and gnomAD. In-silico pathogenicity prediction tools (SIFT, PolyPhen2, Align GVGD, REVEL) provide contradictory results for the p.Pro294Leu substitution. Due to insufficient evidence and the lack of functional studies, the clinical significance of the p.Pro294Leu change remains unknown at this time.